The following is an entry in ClinVar:

ClinVar aggregate classification (germline): Conflicting classifications of pathogenicity. Review status: criteria provided, conflicting classifications (1 of 4 stars). 4 submissions from 4 submitters: Uncertain significance (1); Benign (2); Likely benign (1). Last evaluated 2025-01-04.

Conditions:
GPSM2-related disorder. Also called: GPSM2-related disorders; GPSM2-related condition.
Chudley-McCullough syndrome (CMCS). Also called: Deafness, autosomal recessive 82; DEAFNESS, SENSORINEURAL, WITH PARTIAL AGENESIS OF THE CORPUS CALLOSUM AND ARACHNOID CYSTS. Identifiers: Orphanet 314597, MedGen C1858695, MONDO:0011411, OMIM 604213.

Allele frequency attached by ClinVar (database versions not stated): TOPMed 0.00006; ESP Exome Variant Server 0.00023; 1000 Genomes Project 30x 0.00062; gnomAD exomes 0.00073 and 0.00170; 1000 Genomes Project 0.00080; gnomAD 0.00130 and 0.00139; ExAC 0.00143.
gnomAD v4.1: 1,270 of 1,611,892 alleles (0.079%); highest among the groups gnomAD compares: Non-Finnish European, 0.0098%; 13 homozygotes.

Submissions (4):

PreventionGenetics, part of Exact Sciences
Classification: Benign for GPSM2-related condition. Last evaluated: 2025-01-04. Review status: criteria provided, single submitter. Criteria: ACMG Guidelines, 2015. Collection method: clinical testing. Allele origin: germline.
Comment: This variant is classified as benign based on ACMG/AMP sequence variant interpretation guidelines (Richards et al. 2015 PMID: 25741868, with internal and published modifications).

Labcorp Genetics (formerly Invitae), Labcorp
Classification: Benign. Last evaluated: 2024-10-25. Review status: criteria provided, single submitter. Criteria: Invitae Variant Classification Sherloc (09022015). Collection method: clinical testing. Allele origin: germline.

GeneDx
Classification: Likely benign. Last evaluated: 2021-03-08. Review status: criteria provided, single submitter. Criteria: GeneDx Variant Classification Process June 2021. Collection method: clinical testing. Allele origin: germline. Affected: yes.

Illumina Laboratory Services, Illumina
Classification: Uncertain significance for Chudley-McCullough syndrome. Last evaluated: 2018-01-12. Review status: criteria provided, single submitter. Criteria: ICSL Variant Classification Criteria 13 December 2019. Collection method: clinical testing. Allele origin: germline.

NM_013296.5(GPSM2):c.833G>A (p.Arg278Gln)

Gene: GPSM2 (G protein signaling modulator 2; plus strand). Cytogenetic location: 1p13.3.
Variant type: single nucleotide variant.
Coding change: c.833G>A on transcript NM_013296.5 (MANE Select); coding-DNA position 833, G replaced by A.
Protein change: p.Arg278Gln; replaces arginine 278 with glutamine.
Molecular consequence: missense variant.
Genome position (GRCh38, 1-based): chr1:108,901,825, G>A. VCF-style: chr1-108901825-G-A. GRCh37 (hg19) VCF-style: chr1-109444447-G-A.
Other names: c.833G>A, p.Arg278Gln (NM_001321038.2, NM_001321039.3); short protein forms R278Q.
Identifiers: ClinVar variation 730883 (VCV000730883.15), dbSNP rs190381417, ClinGen allele CA982899.